The following is an entry in ClinVar:

NM_014491.4(FOXP2):c.360_373del (p.Leu121fs)

Gene: FOXP2 (forkhead box P2; plus strand). Cytogenetic location: 7q31.1.
Variant type: Deletion.
Coding change: c.360_373del on transcript NM_014491.4 (MANE Select); coding-DNA positions 360 to 373, 14 bases deleted (CCTTCTCCAACAAC).
Protein change: p.Leu121fs; shifts the reading frame from leucine 121.
Molecular consequence: frameshift variant. On other transcripts: non-coding transcript variant (2).
Genome position (GRCh38, 1-based): chr7:114,628,641-114,628,654, CCTTCTCCAACAAC deleted; deleting any 14 consecutive bases within chr7:114,628,640-114,628,654 gives the same sequence; the c. name uses the placement nearest the transcript's 3' end. VCF-style (leftmost placement, unchanged base first): chr7-114628639-GCCCTTCTCCAACAA-G. GRCh37 (hg19) VCF-style: chr7-114268694-GCCCTTCTCCAACAA-G.
Other names: c.360_373del, p.Leu121fs (NM_001172766.3, NM_148899.3, NM_148900.4); c.435_448del, p.Leu146fs (NM_001172767.2, NM_148898.4); short protein forms L121fs, L146fs.
Identifiers: ClinVar variation 3603285 (VCV003603285.1).
Genomic context (GRCh38, chr7:114,628,639, plus strand): 5'-ACCCCTCAGCAAATGCAGCAGATCCTTCAGCAACAAGTCCTGTCTCCTCAGCAGCTACAA[GCCCTTCTCCAACAA>G]CAGCAGGCTGTCATGCTGCAGCAGGTAATGTGGGTTACCTGCTTTGGTGTTCTAGCATGA-3'

ClinVar aggregate classification (germline): Likely pathogenic (1 of 4 stars; one submission).

Conditions:
Childhood apraxia of speech (SPCH1). Also called: DEVELOPMENTAL VERBAL DYSPRAXIA; SPEECH AND LANGUAGE DISORDER WITH OROFACIAL DYSPRAXIA; FOXP2-Related Speech and Language Disorder; Speech language disorder. Identifiers: Orphanet 209908, MedGen C0750927, MONDO:0011184, OMIM 602081.

Submission:

Neuberg Centre For Genomic Medicine, NCGM
Classification: Likely pathogenic for Childhood apraxia of speech. Review status: criteria provided, single submitter. Criteria: ACMG Guidelines, 2015. Collection method: clinical testing. Allele origin: germline. Inheritance: Autosomal dominant inheritance. Affected: yes.
Comment: The observed frameshift c.360_373del (p.Leu121AlafsTer140) variant in FOXP2 gene has not been reported previously as a pathogenic variant nor as a benign variant, to our knowledge. The p.Leu121AlafsTer140 variant is absent in gnomAD Exomes. This variant has not been submitted to the ClinVar database. This variant causes a frameshift starting with codon Leucine 121, changes this amino acid to Alanine residue, and creates a premature Stop codon at position 140 of the new reading frame, denoted p.Leu121AlafsTer140. This variant is predicted to cause loss of normal protein function through protein truncation. Loss of function variants have been previously reported to be disease causing. Functional studies are required to prove the pathogenicity for the variant, for these reasons, this variant has been classified as Likely Pathogenic.